The following is an entry in ClinVar:

NM_001256789.3(CACNA1F):c.5372C>T (p.Ser1791Phe)

Gene: CACNA1F (calcium voltage-gated channel subunit alpha1 F; minus strand). Cytogenetic location: Xp11.23.
Variant type: single nucleotide variant.
Coding change: c.5372C>T on transcript NM_001256789.3 (MANE Select); coding-DNA position 5372, C replaced by T.
Protein change: p.Ser1791Phe; replaces serine 1791 with phenylalanine.
Molecular consequence: missense variant.
Genome position (GRCh38, 1-based): chrX:49,206,611, G>A on the plus strand (C>T on the coding strand, the complement: CACNA1F is on the minus strand). VCF-style: chrX-49206611-G-A. GRCh37 (hg19) VCF-style: chrX-49063072-G-A.
Other names: c.5210C>T, p.Ser1737Phe (NM_001256790.3); c.5405C>T, p.Ser1802Phe (NM_005183.4); short protein forms S1791F, S1802F, S1737F.
Identifiers: ClinVar variation 810596 (VCV000810596.49), dbSNP rs1602621312, ClinGen allele CA412958029.

ClinVar aggregate classification (germline): Conflicting classifications of pathogenicity. Review status: criteria provided, conflicting classifications (1 of 4 stars). 3 submissions from 3 submitters: Pathogenic (1); Uncertain significance (2). Last evaluated 2022-09-01.

Conditions:
Congenital stationary night blindness. Also called: Early-onset non-progressive night blindness. Identifiers: Orphanet 215, MedGen C0339535, MONDO:0016293, HP:0007642.

Submissions (3):

Labcorp Genetics (formerly Invitae), Labcorp
Classification: Uncertain significance. Last evaluated: 2022-09-01. Review status: criteria provided, single submitter. Criteria: Invitae Variant Classification Sherloc (09022015). Collection method: clinical testing. Allele origin: germline.
Comment: This variant is not present in population databases (gnomAD no frequency). In summary, the available evidence is currently insufficient to determine the role of this variant in disease. Therefore, it has been classified as a Variant of Uncertain Significance. Algorithms developed to predict the effect of missense changes on protein structure and function are either unavailable or do not agree on the potential impact of this missense change (SIFT: "Deleterious"; PolyPhen-2: "Benign"; Align-GVGD: "Class C0"). ClinVar contains an entry for this variant (Variation ID: 810596). This variant has not been reported in the literature in individuals affected with CACNA1F-related conditions. This sequence change replaces serine, which is neutral and polar, with phenylalanine, which is neutral and non-polar, at codon 1802 of the CACNA1F protein (p.Ser1802Phe).

Molecular Genetics Laboratory, Institute for Ophthalmic Research
Classification: Pathogenic for Congenital stationary night blindness. Last evaluated: 2020-01-09. Review status: criteria provided, single submitter. Criteria: ACMG Guidelines, 2015. Collection method: research. Allele origin: germline. Affected: yes.

CeGaT Center for Human Genetics Tuebingen
Classification: Uncertain significance. Last evaluated: 2018-11-01. Review status: criteria provided, single submitter. Criteria: CeGaT Center For Human Genetics Tuebingen Variant Classification Criteria Version 2. Collection method: clinical testing. Allele origin: germline. Affected: yes. Observed: 1 variant allele.